The following is an entry in ClinVar:

NM_002439.5(MSH3):c.1786G>C (p.Ala596Pro)

Gene: MSH3 (mutS homolog 3; plus strand). Cytogenetic location: 5q14.1.
Variant type: single nucleotide variant.
Coding change: c.1786G>C on transcript NM_002439.5 (MANE Select); coding-DNA position 1786, G replaced by C.
Protein change: p.Ala596Pro; replaces alanine 596 with proline.
Molecular consequence: missense variant.
Genome position (GRCh38, 1-based): chr5:80,761,568, G>C. VCF-style: chr5-80761568-G-C. GRCh37 (hg19) VCF-style: chr5-80057387-G-C.
Other names: p.Ala596Pro; short protein forms A596P.
Identifiers: ClinVar variation 972472 (VCV000972472.15), dbSNP rs370231558, ClinGen allele CA3328045.

ClinVar aggregate classification (germline): Uncertain significance. Review status: criteria provided, multiple submitters, no conflicts (2 of 4 stars). 3 submissions from 3 submitters: Uncertain significance (3). Last evaluated 2025-04-21.

Conditions:
Hereditary cancer-predisposing syndrome. Also called: Hereditary Cancer Syndrome; Hereditary neoplastic syndrome; Tumor predisposition; Neoplastic Syndromes, Hereditary. Identifiers: Orphanet 140162, MedGen C0027672, MeSH D009386, MONDO:0015356.

Allele frequency attached by ClinVar (database versions not stated): gnomAD exomes below 0.00001 and 0.00001; ExAC 0.00001; gnomAD 0.00001; TOPMed 0.00001; ESP Exome Variant Server 0.00008.
gnomAD v4.1: 11 of 1,613,956 alleles (0.00068%); highest among the groups gnomAD compares: Non-Finnish European, 0.00093%; no homozygotes.

Submissions (3):

Ambry Genetics
Classification: Uncertain significance for Hereditary cancer-predisposing syndrome. Last evaluated: 2025-04-21. Review status: criteria provided, single submitter. Criteria: Ambry Variant Classification Scheme 2023. Collection method: clinical testing. Allele origin: germline.
Comment: The p.A596P variant (also known as c.1786G>C), located in coding exon 13 of the MSH3 gene, results from a G to C substitution at nucleotide position 1786. The alanine at codon 596 is replaced by proline, an amino acid with highly similar properties. This amino acid position is highly conserved in available vertebrate species. In addition, this alteration is predicted to be deleterious by in silico analysis. Based on the available evidence, the clinical significance of this variant remains unclear.

Labcorp Genetics (formerly Invitae), Labcorp
Classification: Uncertain significance. Last evaluated: 2024-04-07. Review status: criteria provided, single submitter. Criteria: Invitae Variant Classification Sherloc (09022015). Collection method: clinical testing. Allele origin: germline.
Comment: This sequence change replaces alanine, which is neutral and non-polar, with proline, which is neutral and non-polar, at codon 596 of the MSH3 protein (p.Ala596Pro). This variant is present in population databases (rs370231558, gnomAD 0.0009%). This variant has not been reported in the literature in individuals affected with MSH3-related conditions. ClinVar contains an entry for this variant (Variation ID: 972472). An algorithm developed to predict the effect of missense changes on protein structure and function (PolyPhen-2) suggests that this variant is likely to be disruptive. In summary, the available evidence is currently insufficient to determine the role of this variant in disease. Therefore, it has been classified as a Variant of Uncertain Significance.

Mayo Clinic Laboratories, Mayo Clinic
Classification: Uncertain significance. Last evaluated: 2024-03-27. Review status: criteria provided, single submitter. Criteria: ACMG Guidelines, 2015. Collection method: clinical testing. Allele origin: germline. Observed: 1 variant allele.
Comment: PP3, PM2